The following is an entry in ClinVar:

ClinVar aggregate classification (germline): Conflicting classifications of pathogenicity. Review status: criteria provided, conflicting classifications (1 of 4 stars). 2 submissions from 2 submitters: Uncertain significance (1); Likely benign (1). Last evaluated 2023-03-23.

Conditions:
Hereditary cancer-predisposing syndrome. Also called: Hereditary neoplastic syndrome; Neoplastic Syndromes, Hereditary; Hereditary Cancer Syndrome; Tumor predisposition. Identifiers: Orphanet 140162, MedGen C0027672, MeSH D009386, MONDO:0015356.
Hereditary breast ovarian cancer syndrome. Also called: BRCA1- and BRCA2-Associated Hereditary Breast and Ovarian Cancer; Hereditary breast and ovarian cancer syndrome (HBOC); Hereditary breast and/or ovarian cancer syndrome; Hereditary breast and ovarian cancer syndrome; Hereditary breast and ovarian cancer; Breast and ovarian cancer. Identifiers: Orphanet 145, MedGen C0677776, MeSH D061325, MONDO:0003582. Disease mechanism: loss of function.

Submissions (2):

University of Washington Department of Laboratory Medicine, University of Washington
Classification: Likely benign for Hereditary cancer-predisposing syndrome. Last evaluated: 2023-03-23. Review status: criteria provided, single submitter. Criteria: Dines et al. (Genet Med. 2020). Collection method: curation. Allele origin: germline.
Comment: Missense variant in a coldspot region where missense variants are very unlikely to be pathogenic (PMID:31911673).

BRCA2 exon 11 coldspot. Reclassification based on statistical prior probability.

Labcorp Genetics (formerly Invitae), Labcorp
Classification: Uncertain significance for Hereditary breast ovarian cancer syndrome. Last evaluated: 2022-09-07. Review status: criteria provided, single submitter. Criteria: Invitae Variant Classification Sherloc (09022015). Collection method: clinical testing. Allele origin: germline.
Comment: This sequence change replaces phenylalanine, which is neutral and non-polar, with valine, which is neutral and non-polar, at codon 1241 of the BRCA2 protein (p.Phe1241Val). This variant is not present in population databases (gnomAD no frequency). This variant has not been reported in the literature in individuals affected with BRCA2-related conditions. Advanced modeling of protein sequence and biophysical properties (such as structural, functional, and spatial information, amino acid conservation, physicochemical variation, residue mobility, and thermodynamic stability) performed at Invitae indicates that this missense variant is not expected to disrupt BRCA2 protein function. In summary, the available evidence is currently insufficient to determine the role of this variant in disease. Therefore, it has been classified as a Variant of Uncertain Significance.

NM_000059.4(BRCA2):c.3721T>G (p.Phe1241Val)

Gene: BRCA2 (BRCA2 DNA repair associated; plus strand). Cytogenetic location: 13q13.1.
Variant type: single nucleotide variant.
Coding change: c.3721T>G on transcript NM_000059.4 (MANE Select); coding-DNA position 3721, T replaced by G.
Protein change: p.Phe1241Val; replaces phenylalanine 1241 with valine.
Molecular consequence: missense variant.
Genome position (GRCh38, 1-based): chr13:32,338,076, T>G. VCF-style: chr13-32338076-T-G. GRCh37 (hg19) VCF-style: chr13-32912213-T-G.
Other names: c.3721T>G, p.Phe1241Val (NM_001406719.1, NM_001406720.1); short protein forms F1241V.
Identifiers: ClinVar variation 1718507 (VCV001718507.7), dbSNP rs2137499348, ClinGen allele CA387778087.